The following is an entry in ClinVar:

NM_025074.7(FRAS1):c.2722+1G>A

Gene: FRAS1 (Fraser extracellular matrix complex subunit 1; plus strand). Cytogenetic location: 4q21.21.
Variant type: single nucleotide variant.
Coding change: c.2722+1G>A on transcript NM_025074.7 (MANE Select); the canonical splice donor site of the intron after coding-DNA position 2722, G replaced by A.
Molecular consequence: splice donor variant.
Genome position (GRCh38, 1-based): chr4:78,364,055, G>A. VCF-style: chr4-78364055-G-A. GRCh37 (hg19) VCF-style: chr4-79285209-G-A.
Other names: c.2722+1G>A (NM_001166133.2).
Identifiers: ClinVar variation 195697 (VCV000195697.13), dbSNP rs794727365, ClinGen allele CA201906.
Genomic context (GRCh38, chr4:78,364,055, plus strand): 5'-GCACCTGCAGCACCACCTGCTTCCCTGGGCACTATCTTGATGACAATCATGTTTGCCAGC[G>A]TAGGTTTTTCCAATGAACCTTCTCTCCTTTCCTTCTTTTCCTGCCTTTCTGGAGCCATTG-3'

ClinVar aggregate classification (germline): Pathogenic/Likely pathogenic. Review status: criteria provided, multiple submitters, no conflicts (2 of 4 stars). 6 submissions from 6 submitters: Pathogenic (4); Likely pathogenic (2). Last evaluated 2024-06-11.

Conditions:
FRAS1-related disorder. Also called: FRAS1-related condition.
Fraser syndrome 1 (FRASRS1). Also called: CRYPTOPHTHALMOS WITH OTHER MALFORMATIONS. Identifiers: Orphanet 2052, MedGen C4551480, MONDO:0054737, OMIM 219000.

Allele frequency attached by ClinVar (database versions not stated): gnomAD exomes 0.00001.
gnomAD v4.1: 18 of 1,577,170 alleles (0.0011%); highest among the groups gnomAD compares: South Asian, 0.0012%; no homozygotes.

Submissions (6):

Blueprint Genetics
Classification: Likely pathogenic for FRAS1-related disorders. Last evaluated: 2024-06-11. Review status: criteria provided, single submitter. Criteria: ACMG Guidelines, 2015. Collection method: clinical testing. Allele origin: germline. Affected: yes. Observed: 5 variant alleles.

Labcorp Genetics (formerly Invitae), Labcorp
Classification: Pathogenic. Last evaluated: 2024-03-12. Review status: criteria provided, single submitter. Criteria: Invitae Variant Classification Sherloc (09022015). Collection method: clinical testing. Allele origin: germline.
Comment: This sequence change affects a donor splice site in intron 22 of the FRAS1 gene. It is expected to disrupt RNA splicing. Variants that disrupt the donor or acceptor splice site typically lead to a loss of protein function (PMID: 16199547), and loss-of-function variants in FRAS1 are known to be pathogenic (PMID: 12766769, 18671281). The frequency data for this variant in the population databases is considered unreliable, as metrics indicate poor data quality at this position in the gnomAD database. Disruption of this splice site has been observed in individual(s) with clinical features of FRAS1 related conditions and/or clinical features of FRAS1-related conditions (PMID: 24551978). In at least one individual the data is consistent with being in trans (on the opposite chromosome) from a pathogenic variant. ClinVar contains an entry for this variant (Variation ID: 195697). Algorithms developed to predict the effect of sequence changes on RNA splicing suggest that this variant may disrupt the consensus splice site. For these reasons, this variant has been classified as Pathogenic.

Fulgent Genetics
Classification: Likely pathogenic for Fraser syndrome 1. Last evaluated: 2024-02-06. Review status: criteria provided, single submitter. Criteria: ACMG Guidelines, 2015. Collection method: clinical testing. Allele origin: germline.

Service de Biochimie Médicale et Biologie Moléculaire, CHU Clermont-Ferrand
Classification: Pathogenic for Fraser syndrome 1. Last evaluated: 2018-09-14. Review status: criteria provided, single submitter. Criteria: ACMG Guidelines, 2015. Collection method: clinical testing. Allele origin: inherited. Inheritance: Autosomal recessive inheritance. Affected: yes.
Comment: This variant in homozygous state or compound heterozygous state induced Fraser syndrome phenotype

Eurofins Ntd Llc (ga)
Classification: Pathogenic. Last evaluated: 2014-12-19. Review status: criteria provided, single submitter. Criteria: EGL Classification Definitions 2015. Collection method: clinical testing. Allele origin: germline. Observed: 1 variant allele, 1 heterozygote.

Center for Pediatric Genomic Medicine, Children's Mercy Hospital and Clinics
Classification: Pathogenic. Last evaluated: 2014-07-16. Review status: criteria provided, single submitter. Criteria: ACMG Guidelines, 2015. Collection method: clinical testing. Allele origin: germline.

Literature cited by the submitters: PubMed 16199547 (cited by Labcorp Genetics (formerly Invitae), Labcorp); PubMed 12766769 (cited by Labcorp Genetics (formerly Invitae), Labcorp); PubMed 18671281 (cited by Labcorp Genetics (formerly Invitae), Labcorp); PubMed 24551978 (cited by 3 submitters).